The following is an entry in ClinVar:

NM_053025.4(MYLK):c.1289C>T (p.Thr430Ile)

Gene: MYLK (myosin light chain kinase; minus strand). Cytogenetic location: 3q21.1.
Variant type: single nucleotide variant.
Coding change: c.1289C>T on transcript NM_053025.4 (MANE Select); coding-DNA position 1289, C replaced by T.
Protein change: p.Thr430Ile; replaces threonine 430 with isoleucine.
Molecular consequence: missense variant.
Genome position (GRCh38, 1-based): chr3:123,733,707, G>A on the plus strand (C>T on the coding strand, the complement: MYLK is on the minus strand). VCF-style: chr3-123733707-G-A. GRCh37 (hg19) VCF-style: chr3-123452554-G-A.
Other names: c.761C>T, p.Thr254Ile (NM_001321309.2); c.1289C>T, p.Thr430Ile (NM_053026.4, NM_053027.4, NM_053028.4); c.1289C>T (NM_053025.3); short protein forms T254I, T430I.
Identifiers: ClinVar variation 2164521 (VCV002164521.5), dbSNP rs1386279142, ClinGen allele CA354238744.

ClinVar aggregate classification (germline): Uncertain significance. Review status: criteria provided, multiple submitters, no conflicts (2 of 4 stars). 2 submissions from 2 submitters: Uncertain significance (2). Last evaluated 2024-10-09.

Conditions:
Familial thoracic aortic aneurysm and aortic dissection (TAAD). Also called: Thoracic aortic aneurysms and dissections. Identifiers: Orphanet 91387, MedGen C4707243, MONDO:0019625.
Aortic aneurysm, familial thoracic 7 (AAT7). Also called: AORTIC DISSECTION, FAMILIAL, WITH OR WITHOUT AORTIC ANEURYSM. Identifiers: MedGen C3151077, MONDO:0013418, OMIM 613780.

Submissions (2):

Ambry Genetics
Classification: Uncertain significance for Familial thoracic aortic aneurysm and aortic dissection. Last evaluated: 2024-10-09. Review status: criteria provided, single submitter. Criteria: Ambry Variant Classification Scheme 2023. Collection method: clinical testing. Allele origin: germline.

Labcorp Genetics (formerly Invitae), Labcorp
Classification: Uncertain significance for Aortic aneurysm, familial thoracic 7. Last evaluated: 2023-04-18. Review status: criteria provided, single submitter. Criteria: Invitae Variant Classification Sherloc (09022015). Collection method: clinical testing. Allele origin: germline.
Comment: This sequence change replaces threonine, which is neutral and polar, with isoleucine, which is neutral and non-polar, at codon 430 of the MYLK protein (p.Thr430Ile). This variant is not present in population databases (gnomAD no frequency). This variant has not been reported in the literature in individuals affected with MYLK-related conditions. ClinVar contains an entry for this variant (Variation ID: 2164521). Advanced modeling of protein sequence and biophysical properties (such as structural, functional, and spatial information, amino acid conservation, physicochemical variation, residue mobility, and thermodynamic stability) performed at Invitae indicates that this missense variant is not expected to disrupt MYLK protein function. In summary, the available evidence is currently insufficient to determine the role of this variant in disease. Therefore, it has been classified as a Variant of Uncertain Significance.